The following is an entry in ClinVar:

ClinVar aggregate classification (germline): Conflicting classifications of pathogenicity. Review status: criteria provided, conflicting classifications (1 of 4 stars). 3 submissions from 3 submitters: Uncertain significance (2); Likely benign (1). Last evaluated 2025-12-09.

Conditions:
Inborn genetic diseases. Identifiers: MedGen C0950123, MeSH D030342.
DCHS1-related disorder. Also called: DCHS1-related condition.

Allele frequency attached by ClinVar (database versions not stated): TOPMed 0.00054; 1000 Genomes Project 0.00060; gnomAD exomes 0.00004 and 0.00014; ExAC 0.00015; gnomAD 0.00040 and 0.00044; ESP Exome Variant Server 0.00046; 1000 Genomes Project 30x 0.00047.
gnomAD v4.1: 133 of 1,613,964 alleles (0.0082%); highest among the groups gnomAD compares: African/African-American, 0.12%; no homozygotes.

Submissions (3):

Labcorp Genetics (formerly Invitae), Labcorp
Classification: Likely benign. Last evaluated: 2025-12-09. Review status: criteria provided, single submitter. Criteria: Invitae Variant Classification Sherloc (09022015). Collection method: clinical testing. Allele origin: germline.

Ambry Genetics
Classification: Uncertain significance for Inborn genetic diseases. Last evaluated: 2025-04-07. Review status: criteria provided, single submitter. Criteria: Ambry Variant Classification Scheme 2023. Collection method: clinical testing. Allele origin: germline.

PreventionGenetics, part of Exact Sciences
Classification: Uncertain significance for DCHS1-related condition. Last evaluated: 2023-09-11. Review status: criteria provided, single submitter. Criteria: ACMG Guidelines, 2015. Collection method: clinical testing. Allele origin: germline.
Comment: The DCHS1 c.3764C>T variant is predicted to result in the amino acid substitution p.Thr1255Met. To our knowledge, this variant has not been reported in the literature. This variant is reported in 0.12% of alleles in individuals of African descent in gnomAD. Although we suspect that this variant may be benign, at this time, the clinical significance of this variant is uncertain due to the absence of conclusive functional and genetic evidence.

NM_003737.4(DCHS1):c.3764C>T (p.Thr1255Met)

Gene: DCHS1 (dachsous cadherin-related 1; minus strand). Cytogenetic location: 11p15.4.
Variant type: single nucleotide variant.
Coding change: c.3764C>T on transcript NM_003737.4 (MANE Select); coding-DNA position 3764, C replaced by T.
Protein change: p.Thr1255Met; replaces threonine 1255 with methionine.
Molecular consequence: missense variant.
Genome position (GRCh38, 1-based): chr11:6,631,319, G>A on the plus strand (C>T on the coding strand, the complement: DCHS1 is on the minus strand). VCF-style: chr11-6631319-G-A. GRCh37 (hg19) VCF-style: chr11-6652550-G-A.
Other names: c.3764C>T (NM_003737.3, NM_003737.2); short protein forms T1255M.
Identifiers: ClinVar variation 1161049 (VCV001161049.11), dbSNP rs147152025, ClinGen allele CA5860442.